The following is an entry in ClinVar:

NM_000381.4(MID1):c.639_642del (p.Glu214fs)

Gene: MID1 (midline 1; minus strand). Cytogenetic location: Xp22.2.
Variant type: Microsatellite.
Coding change: c.639_642del on transcript NM_000381.4 (MANE Select); coding-DNA positions 639 to 642, 4 bases deleted (TGAG; older notation c.639_642delTGAG).
Protein change: p.Glu214fs; shifts the reading frame from glutamic acid 214.
Molecular consequence: frameshift variant. On other transcripts: intron variant (2).
Genome position (GRCh38, 1-based): chrX:10,566,906-10,566,909, CTCA deleted on the plus strand (TGAG on the coding strand, the reverse complement: MID1 is on the minus strand); deleting any 4 consecutive bases within chrX:10,566,906-10,566,913 gives the same sequence; the c. name uses the placement nearest the transcript's 3' end. VCF-style (leftmost placement, unchanged base first): chrX-10566905-GCTCA-G. GRCh37 (hg19) VCF-style: chrX-10534945-GCTCA-G.
Other names: c.639_642del, p.Glu214fs (NM_001347733.2, NM_033290.4, NM_001098624.2 and 3 more transcripts); c.546+93_546+96del (NM_033289.2, NM_001193280.1); short protein forms E214fs.
Identifiers: ClinVar variation 1210722 (VCV001210722.3), dbSNP rs2147468543, ClinGen allele CA2580615373.

ClinVar aggregate classification (germline): Pathogenic (1 of 4 stars; one submission).

Submission:

GeneDx
Classification: Pathogenic. Last evaluated: 2019-11-12. Review status: criteria provided, single submitter. Criteria: GeneDx Variant Classification Process June 2021. Collection method: clinical testing. Allele origin: germline. Affected: yes.
Comment: Frameshift variant predicted to result in protein truncation or nonsense mediated decay in a gene for which loss-of-function is a known mechanism of disease; Not observed in large population cohorts (Lek et al., 2016); Has not been previously published as pathogenic or benign to our knowledge